The following is an entry in ClinVar:

NM_001379403.1(WDR26):c.494C>T (p.Ser165Phe)

Gene: WDR26 (WD repeat domain 26; minus strand). Cytogenetic location: 1q42.12.
Variant type: single nucleotide variant.
Coding change: c.494C>T on transcript NM_001379403.1 (MANE Select); coding-DNA position 494, C replaced by T.
Protein change: p.Ser165Phe; replaces serine 165 with phenylalanine.
Molecular consequence: missense variant.
Genome position (GRCh38, 1-based): chr1:224,433,912, G>A on the plus strand (C>T on the coding strand, the complement: WDR26 is on the minus strand). VCF-style: chr1-224433912-G-A. GRCh37 (hg19) VCF-style: chr1-224621614-G-A.
Other names: c.194C>T, p.Ser65Phe (NM_001115113.3, NM_025160.7); short protein forms S165F, S65F.
Identifiers: ClinVar variation 992722 (VCV000992722.26), dbSNP rs202137376, ClinGen allele CA1415189.

ClinVar aggregate classification (germline): Uncertain significance. Review status: criteria provided, multiple submitters, no conflicts (2 of 4 stars). 2 submissions from 2 submitters: Uncertain significance (2). Last evaluated 2022-08-01.

Conditions:
Skraban-Deardorff syndrome. Also called: INTELLECTUAL DISABILITY WITH SEIZURES, ABNORMAL GAIT, AND DISTINCTIVE FACIAL FEATURES; WDR26-Related Intellectual Disability. Identifiers: Orphanet 513456, MedGen C4539927, MONDO:0054636, OMIM 617616.

Allele frequency attached by ClinVar (database versions not stated): gnomAD 0.00004 and 0.00003; TOPMed 0.00005; ExAC 0.00006; 1000 Genomes Project 30x 0.00016; 1000 Genomes Project 0.00020; gnomAD exomes 0.00001 and 0.00003.
gnomAD v4.1: 16 of 1,536,684 alleles (0.001%); highest among the groups gnomAD compares: African/African-American, 0.0055%; no homozygotes.

Submissions (2):

CeGaT Center for Human Genetics Tuebingen
Classification: Uncertain significance. Last evaluated: 2022-08-01. Review status: criteria provided, single submitter. Criteria: CeGaT Center For Human Genetics Tuebingen Variant Classification Criteria Version 2. Collection method: clinical testing. Allele origin: germline. Affected: yes. Observed: 1 variant allele.
Comment: WDR26: PP2

New York Genome Center
Classification: Uncertain significance for Skraban-Deardorff syndrome. Last evaluated: 2019-09-13. Review status: criteria provided, single submitter. Criteria: NYGC Assertion Criteria 2020. Collection method: clinical testing. Allele origin: germline. Observed: 1 heterozygote. Study: CSER-NYCKidSeq.
Comment: The c.194C>T (p.Ser65Phe) variant identified in the WDR26 gene substitutes a moderately conserved Serine for Phenylalanine at amino acid 65/662 (coding exon 1/14). This variant is found with low frequency in gnomAD (5 heterozygotes, 0 homozygotes; allele frequency: 2.89e-5) and ExAC (1 heterozygote, 0 homozygotes; allele frequency: 5.56e-5), suggesting it is not a common benign variant in the populations represented in these databases. In silico algorithms do not agree on the effect this variant will have on the canonical transcript, as it is predicted both Neutral (Provean; score:-1.19) and Damaging (SIFT; score: 0.003) to function. This variant is absent from ClinVar and to our current knowledge has not been reported in affected individuals in the literature, although missense,as well as nonsense, frameshift, and splice variants have been identified in affected individuals [PMID: 25875328]. Given the lack of compelling evidence for the pathogenicity of the c.194C>T (p.Ser65Phe) variant it is reported here as a Variant of Uncertain Significance.